The following is an entry in ClinVar:

ClinVar aggregate classification (germline): Likely benign (1 of 4 stars; one submission).

Allele frequency attached by ClinVar (database versions not stated): 1000 Genomes Project 30x 0.00031; 1000 Genomes Project 0.00040; TOPMed 0.00152; gnomAD 0.00155; ExAC 0.00156; ESP Exome Variant Server 0.00223.
gnomAD v4.1: 4,222 of 1,613,212 alleles (0.26%); highest among the groups gnomAD compares: Non-Finnish European, 0.33%; 13 homozygotes.

Submission:

CeGaT Center for Human Genetics Tuebingen
Classification: Likely benign. Last evaluated: 2022-06-01. Review status: criteria provided, single submitter. Criteria: CeGaT Center For Human Genetics Tuebingen Variant Classification Criteria Version 2. Collection method: clinical testing. Allele origin: germline. Affected: yes. Observed: 1 variant allele.
Comment: STAB1: BP4, BP7

NM_015136.3(STAB1):c.6762C>T (p.Cys2254=)

Gene: STAB1 (stabilin 1; plus strand). Cytogenetic location: 3p21.1.
Variant type: single nucleotide variant.
Coding change: c.6762C>T on transcript NM_015136.3 (MANE Select); coding-DNA position 6762, C replaced by T.
Protein change: p.Cys2254=; no amino-acid change (cysteine 2254 retained).
Molecular consequence: synonymous variant.
Genome position (GRCh38, 1-based): chr3:52,522,792, C>T. VCF-style: chr3-52522792-C-T. GRCh37 (hg19) VCF-style: chr3-52556808-C-T.
Identifiers: ClinVar variation 2653896 (VCV002653896.24), dbSNP rs79651662, ClinGen allele CA2442738.
Genomic context (GRCh38, chr3:52,522,792, plus strand): 5'-TTGACTGGGTCTTGGGTCTTAGTATCCCCTCCTGTTCCTACAGCTGGGCTTCCACCTGTG[C>T]CTCATGGGCTGGCTGGCCAATGGCTCCACTGCCCACCCTGTGGTTTTCCCTGTGGCGGAC-3'
Protein context (NP_055951.2, residues 2244-2264): SAAQQLGFHL[Cys2254=]LMGWLANGST